The following is an entry in ClinVar:

ClinVar aggregate classification (germline): Benign (0 of 4 stars; one submission).

Conditions:
HECW2-related disorder. Also called: HECW2-related condition.

Allele frequency attached by ClinVar (database versions not stated): 1000 Genomes Project 30x 0.00562; 1000 Genomes Project 0.00599; ExAC 0.01389; gnomAD 0.01393; TOPMed 0.01394; ESP Exome Variant Server 0.01599; gnomAD exomes 0.01992.
gnomAD v4.1: 31,070 of 1,610,136 alleles (1.9%); highest among the groups gnomAD compares: Non-Finnish European, 2.4%; 364 homozygotes.

Submission:

PreventionGenetics, part of Exact Sciences
Classification: Benign for HECW2-related condition. Last evaluated: 2019-03-27. Review status: no assertion criteria provided. Collection method: clinical testing. Allele origin: germline.
Comment: This variant is classified as benign based on ACMG/AMP sequence variant interpretation guidelines (Richards et al. 2015 PMID: 25741868, with internal and published modifications).

NM_001348768.2(HECW2):c.384G>A (p.Gly128=)

Gene: HECW2 (HECT, C2 and WW domain containing E3 ubiquitin protein ligase 2; minus strand). Cytogenetic location: 2q32.3.
Variant type: single nucleotide variant.
Coding change: c.384G>A on transcript NM_001348768.2 (MANE Select); coding-DNA position 384, G replaced by A.
Protein change: p.Gly128=; no amino-acid change (glycine 128 retained).
Molecular consequence: synonymous variant. On other transcripts: 5 prime UTR variant (1).
Genome position (GRCh38, 1-based): chr2:196,343,673, C>T on the plus strand (G>A on the coding strand, the complement: HECW2 is on the minus strand). VCF-style: chr2-196343673-C-T. GRCh37 (hg19) VCF-style: chr2-197208397-C-T.
Other names: c.-513G>A (NM_001304840.3); c.384G>A, p.Gly128= (NM_020760.4).
Identifiers: ClinVar variation 3033928 (VCV003033928.2), dbSNP rs61741962, ClinGen allele CA2038592.